The following is an entry in ClinVar:

ClinVar aggregate classification (germline): Uncertain significance (1 of 4 stars; one submission).

Conditions:
Hereditary cancer-predisposing syndrome. Also called: Neoplastic Syndromes, Hereditary; Tumor predisposition; Hereditary Cancer Syndrome; Hereditary neoplastic syndrome. Identifiers: Orphanet 140162, MedGen C0027672, MeSH D009386, MONDO:0015356.

Submission:

Ambry Genetics
Classification: Uncertain significance for Hereditary cancer-predisposing syndrome. Last evaluated: 2025-10-07. Review status: criteria provided, single submitter. Criteria: Ambry Variant Classification Scheme 2023. Collection method: clinical testing. Allele origin: germline.
Comment: The p.V480A variant (also known as c.1439T>C), located in coding exon 10 of the CDH1 gene, results from a T to C substitution at nucleotide position 1439. The valine at codon 480 is replaced by alanine, an amino acid with similar properties. This amino acid position is conserved. In addition, the in silico prediction for this alteration is inconclusive. Based on the available evidence, the clinical significance of this variant remains unclear.

NM_004360.5(CDH1):c.1439T>C (p.Val480Ala)

Gene: CDH1 (cadherin 1; plus strand). Cytogenetic location: 16q22.1.
Variant type: single nucleotide variant.
Coding change: c.1439T>C on transcript NM_004360.5 (MANE Select); coding-DNA position 1439, T replaced by C.
Protein change: p.Val480Ala; replaces valine 480 with alanine.
Molecular consequence: missense variant. On other transcripts: 5 prime UTR variant (2).
Genome position (GRCh38, 1-based): chr16:68,815,633, T>C. VCF-style: chr16-68815633-T-C. GRCh37 (hg19) VCF-style: chr16-68849536-T-C.
Other names: c.1256T>C, p.Val419Ala (NM_001317184.2); c.-110T>C (NM_001317185.2); c.-381T>C (NM_001317186.2); short protein forms V419A, V480A.
Identifiers: ClinVar variation 4631921 (VCV004631921.1).